The following is an entry in ClinVar:

NM_000059.4(BRCA2):c.4584C>T (p.Ser1528=)

Gene: BRCA2 (BRCA2 DNA repair associated; plus strand). Cytogenetic location: 13q13.1.
Variant type: single nucleotide variant.
Coding change: c.4584C>T on transcript NM_000059.4 (MANE Select); coding-DNA position 4584, C replaced by T.
Protein change: p.Ser1528=; no amino-acid change (serine 1528 retained).
Molecular consequence: synonymous variant.
Genome position (GRCh38, 1-based): chr13:32,338,939, C>T. VCF-style: chr13-32338939-C-T. GRCh37 (hg19) VCF-style: chr13-32913076-C-T.
Other names: S1528S; p.S1528S:AGC>AGT.
Identifiers: ClinVar variation 51677 (VCV000051677.121), dbSNP rs80359788, ClinGen allele CA020487.

ClinVar aggregate classification (germline): Likely benign. Review status: reviewed by expert panel (3 of 4 stars). 30 submissions from 29 submitters: Likely benign (1). 29 of the submissions do not count toward it. Last evaluated 2017-06-29.

Conditions:
Hereditary cancer-predisposing syndrome. Also called: Hereditary Cancer Syndrome; Tumor predisposition; Neoplastic Syndromes, Hereditary; Hereditary neoplastic syndrome. Identifiers: Orphanet 140162, MedGen C0027672, MeSH D009386, MONDO:0015356.
Breast and/or ovarian cancer. Identifiers: MedGen CN221562.
Hereditary breast ovarian cancer syndrome. Also called: Breast and ovarian cancer; BRCA1- and BRCA2-Associated Hereditary Breast and Ovarian Cancer; Hereditary breast and ovarian cancer; Hereditary breast and ovarian cancer syndrome (HBOC); Hereditary breast and ovarian cancer syndrome; Hereditary breast and/or ovarian cancer syndrome. Identifiers: Orphanet 145, MedGen C0677776, MeSH D061325, MONDO:0003582. Disease mechanism: loss of function.
Fanconi anemia complementation group D1. Also called: BRCA2-Related Fanconi Anemia. Identifiers: Orphanet 319462, MedGen C1838457, MONDO:0011584, OMIM 605724.
Breast-ovarian cancer, familial, susceptibility to, 2 (BROVCA2). Also called: BRCA2 Hereditary Breast and Ovarian Cancer. Identifiers: Orphanet 145, MedGen C2675520, MONDO:0012933, OMIM 612555. Disease mechanism: loss of function.
Familial cancer of breast. Also called: BREAST CANCER, FAMILIAL; hereditary breast carcinoma; Hereditary breast cancer. Identifiers: Orphanet 227535, MedGen C0346153, MONDO:0016419, OMIM 114480. Disease mechanism: loss of function.
Malignant tumor of breast. Also called: Malignant breast neoplasm; Cancer breast. Identifiers: MedGen C0006142, MONDO:0007254. Disease mechanism: loss of function.

Allele frequency attached by ClinVar (database versions not stated): ESP Exome Variant Server 0.00023; gnomAD 0.00026 and 0.00027; 1000 Genomes Project 30x 0.00031; TOPMed 0.00032; 1000 Genomes Project 0.00040.
gnomAD v4.1: 212 of 1,613,660 alleles (0.013%); highest among the groups gnomAD compares: African/African-American, 0.093%; no homozygotes.

Submissions 1 to 17 of 31:

Evidence-based Network for the Interpretation of Germline Mutant Alleles (ENIGMA)
Classification: Likely benign for Breast-ovarian cancer, familial, susceptibility to, 2. Last evaluated: 2017-06-29. Review status: reviewed by expert panel. Criteria: ENIGMA BRCA1/2 Classification Criteria (2017-06-29). Collection method: curation. Allele origin: germline.
Comment: Synonymous substitution variant, with low bioinformatic likelihood to result in a splicing aberration (Splicing prior probability 0.02).

CeGaT Center for Human Genetics Tuebingen
Classification: Likely benign. Last evaluated: 2026-06-01. Review status: criteria provided, single submitter. Criteria: CeGaT Center For Human Genetics Tuebingen Variant Classification Criteria Version 2. Collection method: clinical testing. Allele origin: germline. Affected: yes. Observed: 11 variant alleles. Not counted in ClinVar's aggregate classification.
Comment: BRCA2: BP4

Labcorp Genetics (formerly Invitae), Labcorp
Classification: Benign for Hereditary breast ovarian cancer syndrome. Last evaluated: 2026-01-31. Review status: criteria provided, single submitter. Criteria: Invitae Variant Classification Sherloc (09022015). Collection method: clinical testing. Allele origin: germline. Not counted in ClinVar's aggregate classification.

ARUP Laboratories, Molecular Genetics and Genomics, ARUP Laboratories
Classification: Likely benign. Last evaluated: 2025-05-23. Review status: criteria provided, single submitter. Criteria: ARUP Molecular Germline Variant Investigation Process 2024. Collection method: clinical testing. Allele origin: germline. Not counted in ClinVar's aggregate classification.

Center for Genomic Medicine, Rigshospitalet, Copenhagen University Hospital
Classification: Likely benign. Last evaluated: 2025-03-04. Review status: criteria provided, single submitter. Criteria: ACMG Guidelines, 2015. Collection method: clinical testing. Allele origin: germline. Not counted in ClinVar's aggregate classification.

Blueprint Genetics
Classification: Likely benign. Last evaluated: 2024-11-26. Review status: criteria provided, single submitter. Criteria: ACMG Guidelines, 2015. Collection method: clinical testing. Allele origin: germline. Not counted in ClinVar's aggregate classification.

Molecular Diagnostics Laboratory, Catalan Institute of Oncology
Classification: Benign for Hereditary cancer-predisposing syndrome. Last evaluated: 2024-09-05. Review status: criteria provided, single submitter. Criteria: ClinGen BRCA1BRCA2 ACMG Specifications BRCA2 V1.0.0. Collection method: clinical testing. Allele origin: germline. Not counted in ClinVar's aggregate classification.
Comment: BS1, BP1_Strong c.4584C>T, located in exon 11 of the BRCA2 gene, is predicted to result in no amino acid change, p.(Ser1528=). This position is outside a (potentially) clinically important functional domain and, moreover, the SpliceAI algorithm predicts no significant impact on splicing (BP1_strong). The variant allele was found in 21/23322 alleles, with a filter allele frequency of 0.05% at 99% confidence, within the African population in the gnomAD v2.1.1 database (non-cancer data set) (BS1). To our knowledge, neither relevant clinical data nor well-stablished functional studies have been reported for this variant. In addition, the variant was also identified in the following databases: BRCA Exchange (Likely benign: Synonymous substitution variant, with low bioinformatic likelihood to result in a splicing aberration), ClinVar (7x benign, 18x likely benign, 2x uncertain significance) and LOVD (4x benign, 4x likely benign, 8x uncertain significance). Based on the currently available information, c.4584C>T is classified as a benign variant according to ClinGen-BRCA2 Guidelines version v1.0.0.

Institute for Biomarker Research, Medical Diagnostic Laboratories, L.L.C.
Classification: Benign for Hereditary breast ovarian cancer syndrome. Last evaluated: 2024-01-04. Review status: criteria provided, single submitter. Criteria: ACMG Guidelines, 2015. Collection method: clinical testing. Allele origin: germline. Not counted in ClinVar's aggregate classification.

CHEO Genetics Diagnostic Laboratory, Children's Hospital of Eastern Ontario
Classification: Likely benign for Breast and/or ovarian cancer. Last evaluated: 2022-11-22. Review status: criteria provided, single submitter. Criteria: ACMG Guidelines, 2015. Collection method: clinical testing. Allele origin: germline. Study: Canadian Open Genetics Repository. Not counted in ClinVar's aggregate classification.

Sema4
Classification: Likely benign for Hereditary cancer-predisposing syndrome. Last evaluated: 2020-11-13. Review status: criteria provided, single submitter. Criteria: Sema4 Curation Guidelines. Collection method: curation. Allele origin: germline. Not counted in ClinVar's aggregate classification.

Genetic Services Laboratory, University of Chicago
Classification: Likely benign. Last evaluated: 2019-06-06. Review status: criteria provided, single submitter. Criteria: ACMG Guidelines, 2015. Collection method: clinical testing. Allele origin: germline. Affected: no. Not counted in ClinVar's aggregate classification.

Mendelics
Classification: Likely benign for Breast-ovarian cancer, familial, susceptibility to, 2. Last evaluated: 2019-05-28. Review status: criteria provided, single submitter. Criteria: Mendelics Assertion Criteria 2017. Collection method: clinical testing. Allele origin: unknown. Not counted in ClinVar's aggregate classification.

Genome Diagnostics Laboratory, University Medical Center Utrecht
Classification: Likely benign for Breast-ovarian cancer, familial, susceptibility to, 2. Last evaluated: 2017-07-28. Review status: criteria provided, single submitter. Criteria: ACGS Guidelines, 2013. Collection method: clinical testing. Allele origin: germline. Affected: yes. Study: VKGL Data-share Consensus. Not counted in ClinVar's aggregate classification.

PreventionGenetics, part of Exact Sciences
Classification: Likely benign. Last evaluated: 2017-06-09. Review status: criteria provided, single submitter. Criteria: ACMG Guidelines, 2015. Collection method: clinical testing. Allele origin: germline. Not counted in ClinVar's aggregate classification.

Illumina Laboratory Services, Illumina
Classification: Likely benign for Breast-ovarian cancer, familial, susceptibility to, 2. Last evaluated: 2017-04-27. Review status: criteria provided, single submitter. Criteria: ICSL Variant Classification Criteria 13 December 2019. Collection method: clinical testing. Allele origin: germline. Not counted in ClinVar's aggregate classification.
Comment: This variant was observed as part of a predisposition screen in an ostensibly healthy population. A literature search was performed for the gene, cDNA change, and amino acid change (where applicable). Publications were found based on this search. The evidence from the literature, in combination with allele frequency data from public databases where available, was sufficient to determine this variant is unlikely to cause disease. Therefore, this variant is classified as likely benign.

Illumina Laboratory Services, Illumina
Classification: Likely benign for Fanconi anemia complementation group D1. Last evaluated: 2017-04-27. Review status: criteria provided, single submitter. Criteria: ICSL Variant Classification Criteria 13 December 2019. Collection method: clinical testing. Allele origin: germline. Not counted in ClinVar's aggregate classification.
Comment: This variant was observed as part of a predisposition screen in an ostensibly healthy population. A literature search was performed for the gene, cDNA change, and amino acid change (where applicable). No publications were found based on this search. Allele frequency data from public databases allowed determination this variant is unlikely to cause disease. Therefore, this variant is classified as likely benign.

Baylor Genetics
Classification: Benign for Familial cancer of breast. Last evaluated: 2017-02-23. Review status: criteria provided, single submitter. Criteria: ACMG Guidelines, 2015. Collection method: clinical testing. Allele origin: germline. Inheritance: Autosomal dominant inheritance. Affected: no. Not counted in ClinVar's aggregate classification.